The following is an entry in ClinVar:

NM_144651.5(PXDNL):c.694C>G (p.Gln232Glu)

Gene: PXDNL (peroxidasin like; minus strand). Cytogenetic location: 8q11.22.
Variant type: single nucleotide variant.
Coding change: c.694C>G on transcript NM_144651.5 (MANE Select); coding-DNA position 694, C replaced by G.
Protein change: p.Gln232Glu; replaces glutamine 232 with glutamic acid.
Molecular consequence: missense variant.
Genome position (GRCh38, 1-based): chr8:51,474,972, G>C on the plus strand (C>G on the coding strand, the complement: PXDNL is on the minus strand). VCF-style: chr8-51474972-G-C. GRCh37 (hg19) VCF-style: chr8-52387532-G-C.
Other names: short protein forms Q232E.
Identifiers: ClinVar variation 776328 (VCV000776328.6), dbSNP rs77835065, ClinGen allele CA4745580.

ClinVar aggregate classification (germline): Benign. Review status: criteria provided, multiple submitters, no conflicts (2 of 4 stars). 3 submissions from 3 submitters: Benign (2). 1 of the submissions does not count toward it. Last evaluated 2018-06-18.

Conditions:
PXDNL-related disorder. Also called: PXDNL-related condition.

Allele frequency attached by ClinVar (database versions not stated): 1000 Genomes Project 30x 0.01359; ESP Exome Variant Server 0.01385; 1000 Genomes Project 0.01398; TOPMed 0.01547.
gnomAD v4.1: 4,101 of 1,586,868 alleles (0.26%); highest among the groups gnomAD compares: African/African-American, 4.7%; 82 homozygotes.

Submissions (3):

Labcorp Genetics (formerly Invitae), Labcorp
Classification: Benign. Last evaluated: 2018-06-18. Review status: criteria provided, single submitter. Criteria: Invitae Variant Classification Sherloc (09022015). Collection method: clinical testing. Allele origin: germline.

Breakthrough Genomics
Classification: Benign. Review status: criteria provided, single submitter. Criteria: ACMG Guidelines, 2015. Collection method: not provided. Allele origin: germline. Inheritance: Unknown mechanism. Affected: yes.

PreventionGenetics, part of Exact Sciences
Classification: Benign for PXDNL-related condition. Last evaluated: 2019-02-16. Review status: no assertion criteria provided. Collection method: clinical testing. Allele origin: germline. Not counted in ClinVar's aggregate classification.
Comment: This variant is classified as benign based on ACMG/AMP sequence variant interpretation guidelines (Richards et al. 2015 PMID: 25741868, with internal and published modifications).